The following is an entry in ClinVar:

ClinVar aggregate classification (germline): Uncertain significance (1 of 4 stars; one submission).

Conditions:
Gorlin syndrome. Also called: Nevoid Basal Cell Carcinoma Syndrome; Basal cell nevus syndrome. Identifiers: Orphanet 377, MedGen C0004779, MONDO:0007187.

Submission:

Labcorp Genetics (formerly Invitae), Labcorp
Classification: Uncertain significance for Gorlin syndrome. Last evaluated: 2025-11-04. Review status: criteria provided, single submitter. Criteria: Invitae Variant Classification Sherloc (09022015). Collection method: clinical testing. Allele origin: germline.
Comment: This sequence change replaces leucine, which is neutral and non-polar, with phenylalanine, which is neutral and non-polar, at codon 1159 of the PTCH1 protein (p.Leu1159Phe). This variant is not present in population databases (gnomAD no frequency). This variant has not been reported in the literature in individuals affected with PTCH1-related conditions. Invitae Evidence Modeling of protein sequence and biophysical properties (such as structural, functional, and spatial information, amino acid conservation, physicochemical variation, residue mobility, and thermodynamic stability) has been performed for this missense variant. However, the output from this modeling did not meet the statistical confidence thresholds required to predict the impact of this variant on PTCH1 protein function. In summary, the available evidence is currently insufficient to determine the role of this variant in disease. Therefore, it has been classified as a Variant of Uncertain Significance.

NM_000264.5(PTCH1):c.3475C>T (p.Leu1159Phe)

Gene: PTCH1 (patched 1; minus strand). Cytogenetic location: 9q22.32.
Variant type: single nucleotide variant.
Coding change: c.3475C>T on transcript NM_000264.5 (MANE Select); coding-DNA position 3475, C replaced by T.
Protein change: p.Leu1159Phe; replaces leucine 1159 with phenylalanine.
Molecular consequence: missense variant. On other transcripts: non-coding transcript variant (1).
Genome position (GRCh38, 1-based): chr9:95,449,915, G>A on the plus strand (C>T on the coding strand, the complement: PTCH1 is on the minus strand). VCF-style: chr9-95449915-G-A. GRCh37 (hg19) VCF-style: chr9-98212197-G-A.
Other names: c.3277C>T, p.Leu1093Phe (NM_001083602.3); c.3472C>T, p.Leu1158Phe (NM_001083603.3); c.3022C>T, p.Leu1008Phe (NM_001083604.3, NM_001083605.3, NM_001083606.3 and 1 more transcripts); c.3319C>T, p.Leu1107Phe (NM_001354918.2); short protein forms L1158F, L1159F, L1093F, L1107F, L1008F.
Identifiers: ClinVar variation 4707999 (VCV004707999.1).